The following is an entry in ClinVar:

ClinVar aggregate classification (germline): Benign/Likely benign. Review status: criteria provided, multiple submitters, no conflicts (2 of 4 stars). 14 submissions from 14 submitters: Benign (5); Likely benign (8). 1 of the submissions does not count toward it. Last evaluated 2026-05-01.

Conditions:
Hypertrophic cardiomyopathy 26. Also called: Cardiomyopathy, familial hypertrophic, 26. Identifiers: Orphanet 75249, MedGen C4310749, MONDO:0014883, OMIM 617047.
Distal myopathy with posterior leg and anterior hand involvement. Also called: WILLIAMS DISTAL MYOPATHY. Identifiers: Orphanet 63273, MedGen C3279722, MONDO:0013550, OMIM 614065.
Myofibrillar myopathy 5. Also called: FILAMINOPATHY, AUTOSOMAL DOMINANT; Filaminopathy (type). Identifiers: Orphanet 171445, MedGen C1836050, MONDO:0012289, OMIM 609524.
FLNC-related disorder. Also called: FLNC-related condition; FLNC-related disorders.
Cardiomyopathy (CMYO). Also called: Cardiomyopathies. Identifiers: Orphanet 167848, MedGen C0878544, MONDO:0004994, HP:0001638. Inheritance: Various modes of inheritance.
Cardiovascular phenotype. Identifiers: MedGen CN230736.

Allele frequency attached by ClinVar (database versions not stated): gnomAD exomes 0.00053; ExAC 0.00059; ESP Exome Variant Server 0.00189; gnomAD 0.00192 and 0.00207; 1000 Genomes Project 0.00220; TOPMed 0.00237; 1000 Genomes Project 30x 0.00250.
gnomAD v4.1: 681 of 1,614,048 alleles (0.042%); highest among the groups gnomAD compares: African/African-American, 0.6%; 1 homozygote.

Submissions (14):

CeGaT Center for Human Genetics Tuebingen
Classification: Likely benign. Last evaluated: 2026-05-01. Review status: criteria provided, single submitter. Criteria: CeGaT Center For Human Genetics Tuebingen Variant Classification Criteria Version 2. Collection method: clinical testing. Allele origin: germline. Affected: yes. Observed: 3 variant alleles.
Comment: FLNC: BS1

Labcorp Genetics (formerly Invitae), Labcorp
Classification: Likely benign for Distal myopathy with posterior leg and anterior hand involvement; Myofibrillar myopathy 5; Hypertrophic cardiomyopathy 26. Last evaluated: 2026-01-31. Review status: criteria provided, single submitter. Criteria: Invitae Variant Classification Sherloc (09022015). Collection method: clinical testing. Allele origin: germline.

Athena Diagnostics
Classification: Benign. Last evaluated: 2025-04-29. Review status: criteria provided, single submitter. Criteria: Athena Diagnostics Criteria. Collection method: clinical testing. Allele origin: unknown.
Comment: The frequency of this variant in the general population is higher than would generally be expected for pathogenic variants in this gene.

Women's Health and Genetics/Laboratory Corporation of America, LabCorp
Classification: Likely benign. Last evaluated: 2025-04-29. Review status: criteria provided, single submitter. Criteria: LabCorp Variant Classification Summary - May 2015. Collection method: clinical testing. Allele origin: germline.

Molecular Diagnostic Laboratory for Inherited Cardiovascular Disease, Montreal Heart Institute
Classification: Likely benign. Last evaluated: 2025-04-09. Review status: criteria provided, single submitter. Criteria: ACMG Guidelines, 2015. Collection method: clinical testing. Allele origin: germline. Affected: no.

Blueprint Genetics
Classification: Likely benign. Last evaluated: 2024-10-02. Review status: criteria provided, single submitter. Criteria: ACMG Guidelines, 2015. Collection method: clinical testing. Allele origin: germline.

Mayo Clinic Laboratories, Mayo Clinic
Classification: Benign. Last evaluated: 2024-06-21. Review status: criteria provided, single submitter. Criteria: ACMG Guidelines, 2015. Collection method: clinical testing. Allele origin: germline. Observed: 2 variant alleles.
Comment: BA1

CHEO Genetics Diagnostic Laboratory, Children's Hospital of Eastern Ontario
Classification: Benign for Cardiomyopathy. Last evaluated: 2023-01-20. Review status: criteria provided, single submitter. Criteria: ACMG Guidelines, 2015. Collection method: clinical testing. Allele origin: germline.

ARUP Laboratories, Molecular Genetics and Genomics, ARUP Laboratories
Classification: Likely benign. Last evaluated: 2023-01-03. Review status: criteria provided, single submitter. Criteria: ARUP Molecular Germline Variant Investigation Process 2024. Collection method: clinical testing. Allele origin: germline.

GeneDx
Classification: Benign. Last evaluated: 2021-02-03. Review status: criteria provided, single submitter. Criteria: GeneDx Variant Classification Process June 2021. Collection method: clinical testing. Allele origin: germline. Affected: yes.
Comment: This variant is associated with the following publications: (PMID: 28356264)

Ambry Genetics
Classification: Likely benign for Cardiovascular phenotype. Last evaluated: 2019-01-11. Review status: criteria provided, single submitter. Criteria: Ambry Variant Classification Scheme 2023. Collection method: clinical testing. Allele origin: germline.

Genetic Services Laboratory, University of Chicago
Classification: Benign. Last evaluated: 2017-11-13. Review status: criteria provided, single submitter. Criteria: ACMG Guidelines, 2015. Collection method: clinical testing. Allele origin: germline. Affected: no.

Breakthrough Genomics
Classification: Likely benign. Review status: criteria provided, single submitter. Criteria: ACMG Guidelines, 2015. Collection method: not provided. Allele origin: germline. Inheritance: Autosomal dominant inheritance. Affected: yes.

PreventionGenetics, part of Exact Sciences
Classification: Benign for FLNC-related condition. Last evaluated: 2021-01-11. Review status: no assertion criteria provided. Collection method: clinical testing. Allele origin: germline. Not counted in ClinVar's aggregate classification.
Comment: This variant is classified as benign based on ACMG/AMP sequence variant interpretation guidelines (Richards et al. 2015 PMID: 25741868, with internal and published modifications).

Literature cited by the submitters: PubMed 28356264 (cited by Athena Diagnostics); PubMed 34535832 (cited by Athena Diagnostics).

NM_001458.5(FLNC):c.2507C>A (p.Pro836Gln)

Gene: FLNC (filamin C; plus strand). Cytogenetic location: 7q32.1.
Variant type: single nucleotide variant.
Coding change: c.2507C>A on transcript NM_001458.5 (MANE Select); coding-DNA position 2507, C replaced by A.
Protein change: p.Pro836Gln; replaces proline 836 with glutamine.
Molecular consequence: missense variant.
Genome position (GRCh38, 1-based): chr7:128,842,911, C>A. VCF-style: chr7-128842911-C-A. GRCh37 (hg19) VCF-style: chr7-128482965-C-A.
Other names: p.Pro836Gln; c.2507C>A, p.Pro836Gln (NM_001127487.2); short protein forms P836Q.
Identifiers: ClinVar variation 387217 (VCV000387217.37), dbSNP rs199652368, ClinGen allele CA4474748.